The following is an entry in ClinVar:

ClinVar aggregate classification (germline): Likely benign. Review status: criteria provided, multiple submitters, no conflicts (2 of 4 stars). 5 submissions from 5 submitters: Likely benign (5). Last evaluated 2025-12-14.

Conditions:
Arrhythmogenic right ventricular dysplasia 9 (ARVD9). Also called: Arrhythmogenic Right Ventricular Dysplasia/Cardiomyopathy 9; ARRHYTHMOGENIC RIGHT VENTRICULAR DYSPLASIA, FAMILIAL, 9. Identifiers: MedGen C1836906, MONDO:0012180, OMIM 609040.
Arrhythmogenic right ventricular cardiomyopathy (ARVD). Also called: Arrhythmogenic Right Ventricular Cardiomyopathy (ARVC); Cardiomyopathy, ARVC; Arrhythmogenic right ventricular dysplasia; Arrhythmogenic cardiomyopathy. Identifiers: Orphanet 247, MedGen C0349788, MeSH D019571, MONDO:0016587. Disease mechanism: loss of function. Inheritance: Various modes of inheritance.
Cardiomyopathy (CMYO). Also called: Cardiomyopathies. Identifiers: Orphanet 167848, MedGen C0878544, MONDO:0004994, HP:0001638. Inheritance: Various modes of inheritance.
Cardiovascular phenotype. Identifiers: MedGen CN230736.

Allele frequency attached by ClinVar (database versions not stated): ExAC 0.00001; gnomAD 0.00001; gnomAD exomes 0.00001; TOPMed 0.00001.
gnomAD v4.1: 19 of 1,613,658 alleles (0.0012%); highest among the groups gnomAD compares: Non-Finnish European, 0.0015%; no homozygotes.

Submissions (5):

Labcorp Genetics (formerly Invitae), Labcorp
Classification: Likely benign for Arrhythmogenic right ventricular dysplasia 9. Last evaluated: 2025-12-14. Review status: criteria provided, single submitter. Criteria: Invitae Variant Classification Sherloc (09022015). Collection method: clinical testing. Allele origin: germline.

Ambry Genetics
Classification: Likely benign for Cardiovascular phenotype. Last evaluated: 2024-05-21. Review status: criteria provided, single submitter. Criteria: Ambry Variant Classification Scheme 2023. Collection method: clinical testing. Allele origin: germline.

Blueprint Genetics
Classification: Likely benign. Last evaluated: 2024-05-17. Review status: criteria provided, single submitter. Criteria: ACMG Guidelines, 2015. Collection method: clinical testing. Allele origin: germline.

All of Us Research Program, National Institutes of Health
Classification: Likely benign for Arrhythmogenic right ventricular cardiomyopathy. Last evaluated: 2023-12-13. Review status: criteria provided, single submitter. Criteria: ACMG Guidelines, 2015. Collection method: clinical testing. Allele origin: germline. Inheritance: Autosomal dominant inheritance. Observed: 2 variant alleles, 2 heterozygotes.
Comment: This study involves interpretation of variants in research participants for the purpose of population health screening. Participant phenotype was not available at the time of variant classification. Additional details can be found in publication PMID: 35346344, PMCID: PMC8962531

Color Diagnostics, LLC DBA Color Health
Classification: Likely benign for Cardiomyopathy. Last evaluated: 2020-06-22. Review status: criteria provided, single submitter. Criteria: ACMG Guidelines, 2015. Collection method: clinical testing. Allele origin: germline.

NM_001005242.3(PKP2):c.1476T>C (p.Ser492=)

Gene: PKP2 (plakophilin 2; minus strand). Cytogenetic location: 12p11.21.
Variant type: single nucleotide variant.
Coding change: c.1476T>C on transcript NM_001005242.3 (MANE Select); coding-DNA position 1476, T replaced by C.
Protein change: p.Ser492=; no amino-acid change (serine 492 retained).
Molecular consequence: synonymous variant.
Genome position (GRCh38, 1-based): chr12:32,841,108, A>G on the plus strand (T>C on the coding strand, the complement: PKP2 is on the minus strand). VCF-style: chr12-32841108-A-G. GRCh37 (hg19) VCF-style: chr12-32994042-A-G.
Other names: c.1608T>C, p.Ser536= (NM_004572.4).
Identifiers: ClinVar variation 730157 (VCV000730157.15), dbSNP rs751082209, ClinGen allele CA029668.